The following is an entry in ClinVar:

NC_000002.11:g.(?_215632196)_(216212339_?)dup

Genes: ABCA12 (ATP binding cassette subfamily A member 12; minus strand), ATIC (5-aminoimidazole-4-carboxamide ribonucleotide formyltransferase/IMP cyclohydrolase; plus strand), BARD1 (BRCA1 associated RING domain 1; minus strand). Cytogenetic location: 2q35.
Variant type: Duplication.
Identifiers: ClinVar variation 3247179 (VCV003247179.1).

ClinVar aggregate classification (germline): Uncertain significance (1 of 4 stars; one submission).

Conditions:
Familial cancer of breast. Also called: BREAST CANCER, FAMILIAL; Hereditary breast cancer; hereditary breast carcinoma. Identifiers: Orphanet 227535, MedGen C0346153, MONDO:0016419, OMIM 114480. Disease mechanism: loss of function.

Submission:

Labcorp Genetics (formerly Invitae), Labcorp
Classification: Uncertain significance for Familial cancer of breast. Last evaluated: 2023-02-18. Review status: criteria provided, single submitter. Criteria: Invitae Variant Classification Sherloc (09022015). Collection method: clinical testing. Allele origin: unknown.
Comment: This variant results in a copy number gain of the genomic region encompassing exon(s) 1-6 of the BARD1 gene. This region includes the initiator codon of the gene. This copy number gain extends beyond the assayed region for this gene and therefore may encompass additional genes. As the precise location of this event is unknown, it may be in tandem or it may be located elsewhere in the genome. This variant has not been reported in the literature in individuals affected with BARD1-related conditions. In summary, the available evidence is currently insufficient to determine the role of this variant in disease. Therefore, it has been classified as a Variant of Uncertain Significance.